The following is an entry in ClinVar:

NM_005751.5(AKAP9):c.8200A>C (p.Ser2734Arg)

Gene: AKAP9 (A-kinase anchoring protein 9; plus strand). Cytogenetic location: 7q21.2.
Variant type: single nucleotide variant.
Coding change: c.8200A>C on transcript NM_005751.5 (MANE Select); coding-DNA position 8200, A replaced by C.
Protein change: p.Ser2734Arg; replaces serine 2734 with arginine.
Molecular consequence: missense variant.
Genome position (GRCh38, 1-based): chr7:92,083,209, A>C. VCF-style: chr7-92083209-A-C. GRCh37 (hg19) VCF-style: chr7-91712523-A-C.
Other names: c.2845A>C, p.Ser949Arg (NM_001379277.1); c.8176A>C, p.Ser2726Arg (NM_147185.3); short protein forms S2734R, S2726R, S949R.
Identifiers: ClinVar variation 526967 (VCV000526967.1), dbSNP rs1554453992, ClinGen allele CA368138105.
Genomic context (GRCh38, chr7:92,083,209, plus strand): 5'-GTTCTATTCATTACGTTTTAGGTAAAAGAAACAAATATGACATCTCTTCAGAAAGACTTA[A>C]GCCAAGTTAGGGATCACCTCGCAGAGGCAAAAGAGAAATTGTCCATTTTAGAAAAAGAAG-3'
Protein context (NP_005742.4, residues 2724-2744): TNMTSLQKDL[Ser2734Arg]QVRDHLAEAK

ClinVar aggregate classification (germline): Uncertain significance (1 of 4 stars; one submission).

Conditions:
Long QT syndrome (LQTS). Identifiers: MedGen C0023976, MeSH D008133, MONDO:0002442. Disease mechanism: loss of function. Inheritance: Various modes of inheritance.

Submission:

Labcorp Genetics (formerly Invitae), Labcorp
Classification: Uncertain significance for Long QT syndrome. Last evaluated: 2017-09-05. Review status: criteria provided, single submitter. Criteria: Invitae Variant Classification Sherloc (09022015). Collection method: clinical testing. Allele origin: germline.
Comment: This sequence change replaces serine with arginine at codon 2734 of the AKAP9 protein (p.Ser2734Arg). The serine residue is weakly conserved and there is a moderate physicochemical difference between serine and arginine. This variant is not present in population databases (ExAC no frequency). This variant has not been reported in the literature in individuals with AKAP9-related disease. Algorithms developed to predict the effect of missense changes on protein structure and function (SIFT, PolyPhen-2, Align-GVGD) all suggest that this variant is likely to be tolerated, but these predictions have not been confirmed by published functional studies and their clinical significance is uncertain. In summary, the available evidence is currently insufficient to determine the role of this variant in disease. Therefore, it has been classified as a Variant of Uncertain Significance.